The following is an entry in ClinVar:

ClinVar aggregate classification (germline): Uncertain significance (1 of 4 stars; one submission).

Submission:

Labcorp Genetics (formerly Invitae), Labcorp
Classification: Uncertain significance. Last evaluated: 2021-11-29. Review status: criteria provided, single submitter. Criteria: Invitae Variant Classification Sherloc (09022015). Collection method: clinical testing. Allele origin: germline.
Comment: In summary, the available evidence is currently insufficient to determine the role of this variant in disease. Therefore, it has been classified as a Variant of Uncertain Significance. Algorithms developed to predict the effect of missense changes on protein structure and function output the following: SIFT: "Tolerated"; PolyPhen-2: "Possibly Damaging"; Align-GVGD: "Class C0". The arginine amino acid residue is found in multiple mammalian species, which suggests that this missense change does not adversely affect protein function. This variant has not been reported in the literature in individuals affected with RAX2-related conditions. This variant is not present in population databases (gnomAD no frequency). This sequence change replaces leucine, which is neutral and non-polar, with arginine, which is basic and polar, at codon 169 of the RAX2 protein (p.Leu169Arg).

NM_001319074.4(RAX2):c.506T>G (p.Leu169Arg)

Gene: RAX2 (retina and anterior neural fold homeobox 2; minus strand). Cytogenetic location: 19p13.3.
Variant type: single nucleotide variant.
Coding change: c.506T>G on transcript NM_001319074.4 (MANE Select); coding-DNA position 506, T replaced by G.
Protein change: p.Leu169Arg; replaces leucine 169 with arginine.
Molecular consequence: missense variant.
Genome position (GRCh38, 1-based): chr19:3,770,670, A>C on the plus strand (T>G on the coding strand, the complement: RAX2 is on the minus strand). VCF-style: chr19-3770670-A-C. GRCh37 (hg19) VCF-style: chr19-3770668-A-C.
Other names: c.506T>G, p.Leu169Arg (NM_032753.4); short protein forms L169R.
Identifiers: ClinVar variation 1491693 (VCV001491693.6), dbSNP rs1416399047, ClinGen allele CA403374070.